The following is an entry in ClinVar:

ClinVar aggregate classification (germline): Likely benign. Review status: criteria provided, single submitter (1 of 4 stars). 2 submissions from 2 submitters: Likely benign (1). 1 of the submissions does not count toward it. Last evaluated 2025-04-16.

Conditions:
WDPCP-related disorder. Also called: WDPCP-related condition.
Bardet-Biedl syndrome (BBS). Identifiers: Orphanet 110, MedGen C0752166, MONDO:0015229.

Allele frequency attached by ClinVar (database versions not stated): gnomAD exomes below 0.00001; TOPMed below 0.00001.
gnomAD v4.1: 5 of 1,613,432 alleles (0.00031%); highest among the groups gnomAD compares: Middle Eastern, 0.017%; no homozygotes.

Submissions (2):

Labcorp Genetics (formerly Invitae), Labcorp
Classification: Likely benign for Bardet-Biedl syndrome. Last evaluated: 2025-04-16. Review status: criteria provided, single submitter. Criteria: Invitae Variant Classification Sherloc (09022015). Collection method: clinical testing. Allele origin: germline.

PreventionGenetics, part of Exact Sciences
Classification: Likely benign for WDPCP-related condition. Last evaluated: 2023-11-07. Review status: no assertion criteria provided. Collection method: clinical testing. Allele origin: germline. Not counted in ClinVar's aggregate classification.
Comment: This variant is classified as likely benign based on ACMG/AMP sequence variant interpretation guidelines (Richards et al. 2015 PMID: 25741868, with internal and published modifications).

NM_015910.7(WDPCP):c.1758G>A (p.Arg586=)

Gene: WDPCP (WD repeat containing planar cell polarity effector; minus strand). Cytogenetic location: 2p15.
Variant type: single nucleotide variant.
Coding change: c.1758G>A on transcript NM_015910.7 (MANE Select); coding-DNA position 1758, G replaced by A.
Protein change: p.Arg586=; no amino-acid change (arginine 586 retained).
Molecular consequence: synonymous variant. On other transcripts: non-coding transcript variant (3).
Genome position (GRCh38, 1-based): chr2:63,313,302, C>T on the plus strand (G>A on the coding strand, the complement: WDPCP is on the minus strand). VCF-style: chr2-63313302-C-T. GRCh37 (hg19) VCF-style: chr2-63540437-C-T.
Other names: c.1281G>A, p.Arg427= (NM_001042692.3); c.1686G>A, p.Arg562= (NM_001354044.2); c.1758G>A (NM_015910.5).
Identifiers: ClinVar variation 1587672 (VCV001587672.9), dbSNP rs1317461178, ClinGen allele CA426381946.